The following is an entry in ClinVar:

ClinVar aggregate classification (germline): Uncertain significance. Review status: criteria provided, multiple submitters, no conflicts (2 of 4 stars). 2 submissions from 2 submitters: Uncertain significance (2). Last evaluated 2025-10-02.

Conditions:
Autosomal recessive limb-girdle muscular dystrophy type 2L (LGMDR12). Also called: Limb-girdle muscular dystrophy, type 2L; MUSCULAR DYSTROPHY, LIMB-GIRDLE, AUTOSOMAL RECESSIVE 12; Limb-Girdle Muscular Dystrophy R12 Anoctamin-5-Related (LGMD-R12). Identifiers: Orphanet 206549, MedGen C1969785, MONDO:0012652, OMIM 611307.
Gnathodiaphyseal dysplasia (GDD). Also called: OSTEOGENESIS IMPERFECTA WITH UNUSUAL SKELETAL LESIONS; GNATHODIAPHYSEAL SCLEROSIS. Identifiers: Orphanet 53697, MedGen C1833736, MONDO:0008151, OMIM 166260.

Allele frequency attached by ClinVar (database versions not stated): ExAC 0.00001; gnomAD 0.00001; gnomAD exomes 0.00001; TOPMed 0.00001.
gnomAD v4.1: 2 of 1,613,356 alleles (0.00012%); highest among the groups gnomAD compares: Admixed American, 0.0017%; no homozygotes.

Submissions (2):

Labcorp Genetics (formerly Invitae), Labcorp
Classification: Uncertain significance for Autosomal recessive limb-girdle muscular dystrophy type 2L; Gnathodiaphyseal dysplasia. Last evaluated: 2025-10-02. Review status: criteria provided, single submitter. Criteria: Invitae Variant Classification Sherloc (09022015). Collection method: clinical testing. Allele origin: germline.
Comment: This sequence change replaces serine, which is neutral and polar, with proline, which is neutral and non-polar, at codon 537 of the ANO5 protein (p.Ser537Pro). This variant is present in population databases (rs773518330, gnomAD 0.007%). This missense change has been observed in individual(s) with autosomal recessive limb-girdle muscular dystrophy (PMID: 22742934). ClinVar contains an entry for this variant (Variation ID: 1052251). Invitae Evidence Modeling of protein sequence and biophysical properties (such as structural, functional, and spatial information, amino acid conservation, physicochemical variation, residue mobility, and thermodynamic stability) indicates that this missense variant is expected to disrupt ANO5 protein function with a positive predictive value of 95%. In summary, the available evidence is currently insufficient to determine the role of this variant in disease. Therefore, it has been classified as a Variant of Uncertain Significance.

Mayo Clinic Laboratories, Mayo Clinic
Classification: Uncertain significance. Last evaluated: 2023-03-08. Review status: criteria provided, single submitter. Criteria: ACMG Guidelines, 2015. Collection method: clinical testing. Allele origin: germline. Observed: 1 variant allele.
Comment: PM2

Literature cited by the submitters: PubMed 22742934 (cited by Labcorp Genetics (formerly Invitae), Labcorp and Mayo Clinic Laboratories, Mayo Clinic).

NM_213599.3(ANO5):c.1609T>C (p.Ser537Pro)

Gene: ANO5 (anoctamin 5; plus strand). Cytogenetic location: 11p14.3.
Variant type: single nucleotide variant.
Coding change: c.1609T>C on transcript NM_213599.3 (MANE Select); coding-DNA position 1609, T replaced by C.
Protein change: p.Ser537Pro; replaces serine 537 with proline.
Molecular consequence: missense variant.
Genome position (GRCh38, 1-based): chr11:22,259,720, T>C. VCF-style: chr11-22259720-T-C. GRCh37 (hg19) VCF-style: chr11-22281266-T-C.
Other names: p.Ser537Pro; c.1606T>C, p.Ser536Pro (NM_001142649.2); c.1609T>C (NM_213599.2); short protein forms S536P, S537P.
Identifiers: ClinVar variation 1052251 (VCV001052251.10), dbSNP rs773518330, ClinGen allele CA5923292.
Genomic context (GRCh38, chr11:22,259,720, plus strand): 5'-ACAGGATCATGCTTGAACTTTATTGTCATCTTGATCTTGAATTTCTTTTATGAAAAGATA[T>C]CTGCCTGGATCACAAAAATGGGTAAGCTGGCCAAATCATTTGTGTGATTCTGAAGAATGA-3'
Protein context (NP_998764.1, residues 527-547): LILNFFYEKI[Ser537Pro]AWITKMEIPR